The following is an entry in ClinVar:

NM_007259.5(VPS45):c.527G>C (p.Arg176Pro)

Gene: VPS45 (vacuolar protein sorting 45 homolog; plus strand). Cytogenetic location: 1q21.2.
Variant type: single nucleotide variant.
Coding change: c.527G>C on transcript NM_007259.5 (MANE Select); coding-DNA position 527, G replaced by C.
Protein change: p.Arg176Pro; replaces arginine 176 with proline.
Molecular consequence: missense variant. On other transcripts: intron variant (1).
Genome position (GRCh38, 1-based): chr1:150,077,182, G>C. VCF-style: chr1-150077182-G-C. GRCh37 (hg19) VCF-style: chr1-150049260-G-C.
Other names: c.419G>C, p.Arg140Pro (NM_001279354.2); c.262-487G>C (NM_001279353.2); short protein forms R140P, R176P.
Identifiers: ClinVar variation 1002273 (VCV001002273.7), dbSNP rs142225617, ClinGen allele CA342264928.
Genomic context (GRCh38, chr1:150,077,182, plus strand): 5'-CTAGAACAACTCAAGGGCTTACAGCTCTCCTTTTATCTCTGAAGAAGTGTCCCATGATTC[G>C]TTATCAGCTCTCATCAGAGGCAGCAAAGAGACTTGCAGAGTGCGTTAAGGTATGGCATTA-3'
Protein context (NP_009190.2, residues 166-186): LLSLKKCPMI[Arg176Pro]YQLSSEAAKR

ClinVar aggregate classification (germline): Uncertain significance (1 of 4 stars; one submission).

Conditions:
Congenital neutropenia-myelofibrosis-nephromegaly syndrome. Also called: Severe congenital neutropenia 5, autosomal recessive. Identifiers: Orphanet 369852, MedGen C3809031, MONDO:0014118, OMIM 615285.

gnomAD v4.1: 1 of 1,614,042 alleles (0.000062%); highest among the groups gnomAD compares: Non-Finnish European, 0.000085%; no homozygotes.

Submission:

Labcorp Genetics (formerly Invitae), Labcorp
Classification: Uncertain significance for Congenital neutropenia-myelofibrosis-nephromegaly syndrome. Last evaluated: 2020-08-06. Review status: criteria provided, single submitter. Criteria: Invitae Variant Classification Sherloc (09022015). Collection method: clinical testing. Allele origin: germline.
Comment: Algorithms developed to predict the effect of missense changes on protein structure and function are either unavailable or do not agree on the potential impact of this missense change (SIFT: "Deleterious"; PolyPhen-2: "Probably Damaging"; Align-GVGD: "Class C0"). In summary, the available evidence is currently insufficient to determine the role of this variant in disease. Therefore, it has been classified as a Variant of Uncertain Significance. This variant has not been reported in the literature in individuals with VPS45-related conditions. This variant is not present in population databases (ExAC no frequency). This sequence change replaces arginine with proline at codon 176 of the VPS45 protein (p.Arg176Pro). The arginine residue is highly conserved and there is a moderate physicochemical difference between arginine and proline.